The following is an entry in ClinVar:

ClinVar aggregate classification (germline): Uncertain significance (1 of 4 stars; one submission).

Conditions:
Epileptic encephalopathy. Identifiers: MedGen C0543888, HP:0200134.

Submission:

Labcorp Genetics (formerly Invitae), Labcorp
Classification: Uncertain significance for Epileptic encephalopathy. Last evaluated: 2024-05-04. Review status: criteria provided, single submitter. Criteria: Invitae Variant Classification Sherloc (09022015). Collection method: clinical testing. Allele origin: germline.
Comment: This sequence change replaces arginine, which is basic and polar, with glycine, which is neutral and non-polar, at codon 340 of the GABBR2 protein (p.Arg340Gly). This variant is not present in population databases (gnomAD no frequency). This variant has not been reported in the literature in individuals affected with GABBR2-related conditions. Advanced modeling of protein sequence and biophysical properties (such as structural, functional, and spatial information, amino acid conservation, physicochemical variation, residue mobility, and thermodynamic stability) performed at Invitae indicates that this missense variant is not expected to disrupt GABBR2 protein function with a negative predictive value of 80%. In summary, the available evidence is currently insufficient to determine the role of this variant in disease. Therefore, it has been classified as a Variant of Uncertain Significance.

NM_005458.8(GABBR2):c.1018A>G (p.Arg340Gly)

Gene: GABBR2 (gamma-aminobutyric acid type B receptor subunit 2; minus strand). Cytogenetic location: 9q22.33.
Variant type: single nucleotide variant.
Coding change: c.1018A>G on transcript NM_005458.8 (MANE Select); coding-DNA position 1018, A replaced by G.
Protein change: p.Arg340Gly; replaces arginine 340 with glycine.
Molecular consequence: missense variant.
Genome position (GRCh38, 1-based): chr9:98,454,199, T>C on the plus strand (A>G on the coding strand, the complement: GABBR2 is on the minus strand). VCF-style: chr9-98454199-T-C. GRCh37 (hg19) VCF-style: chr9-101216481-T-C.
Other names: short protein forms R340G.
Identifiers: ClinVar variation 3621570 (VCV003621570.2).